The following is an entry in ClinVar:

NM_001844.5(COL2A1):c.1221+5G>C

Gene: COL2A1 (collagen type II alpha 1 chain; minus strand). Cytogenetic location: 12q13.11.
Variant type: single nucleotide variant.
Coding change: c.1221+5G>C on transcript NM_001844.5 (MANE Select); 5 bases into the intron after coding-DNA position 1221, G replaced by C.
Molecular consequence: intron variant.
Genome position (GRCh38, 1-based): chr12:47,987,606, C>G on the plus strand (G>C on the coding strand, the complement: COL2A1 is on the minus strand). VCF-style: chr12-47987606-C-G. GRCh37 (hg19) VCF-style: chr12-48381389-C-G.
Other names: c.1014+5G>C (NM_033150.3).
Identifiers: ClinVar variation 958300 (VCV000958300.7), dbSNP rs1939497156, ClinGen allele CA1139662597.

ClinVar aggregate classification (germline): Uncertain significance (1 of 4 stars; one submission).

Submission:

Labcorp Genetics (formerly Invitae), Labcorp
Classification: Uncertain significance. Last evaluated: 2019-10-23. Review status: criteria provided, single submitter. Criteria: Invitae Variant Classification Sherloc (09022015). Collection method: clinical testing. Allele origin: germline.
Comment: This variant is not present in population databases (ExAC no frequency). This sequence change falls in intron 19 of the COL2A1 gene. It does not directly change the encoded amino acid sequence of the COL2A1 protein, but it affects a nucleotide within the consensus splice site of the intron. In summary, the available evidence is currently insufficient to determine the role of this variant in disease. Therefore, it has been classified as a Variant of Uncertain Significance. Nucleotide substitutions within the consensus splice site are a relatively common cause of aberrant splicing (PMID: 17576681, 9536098). Algorithms developed to predict the effect of sequence changes on RNA splicing suggest that this variant may disrupt the consensus splice site, but this prediction has not been confirmed by published transcriptional studies. This variant has not been reported in the literature in individuals with COL2A1-related conditions.

Literature cited by the submitters: PubMed 17576681; PubMed 9536098.